The following is an entry in ClinVar:

NM_000548.5(TSC2):c.5141A>G (p.Gln1714Arg)

Gene: TSC2 (TSC complex subunit 2; plus strand). Cytogenetic location: 16p13.3.
Variant type: single nucleotide variant.
Coding change: c.5141A>G on transcript NM_000548.5 (MANE Select); coding-DNA position 5141, A replaced by G.
Protein change: p.Gln1714Arg; replaces glutamine 1714 with arginine.
Molecular consequence: missense variant. On other transcripts: non-coding transcript variant (5).
Genome position (GRCh38, 1-based): chr16:2,088,120, A>G. VCF-style: chr16-2088120-A-G. GRCh37 (hg19) VCF-style: chr16-2138121-A-G.
Other names: c.4940A>G, p.Gln1647Arg (NM_001077183.3); c.5072A>G, p.Gln1691Arg (NM_001114382.3); c.4832A>G, p.Gln1611Arg (NM_001318827.2); c.4796A>G, p.Gln1599Arg (NM_001318829.2); c.4409A>G, p.Gln1470Arg (NM_001318831.2); c.4973A>G, p.Gln1658Arg (NM_001318832.2); c.4943A>G, p.Gln1648Arg (NM_001363528.2); c.5009A>G, p.Gln1670Arg (NM_001370404.1); and 26 more; short protein forms Q1200R, Q1243R, Q1490R, Q1514R, Q1599R, Q1610R, Q1628R, Q1643R.
Identifiers: ClinVar variation 2836224 (VCV002836224.4), dbSNP rs2151622840, ClinGen allele CA394312541.

ClinVar aggregate classification (germline): Conflicting classifications of pathogenicity. Review status: criteria provided, conflicting classifications (1 of 4 stars). 3 submissions from 3 submitters: Likely pathogenic (1); Uncertain significance (2). Last evaluated 2026-02-19.

Conditions:
Hereditary cancer-predisposing syndrome. Also called: Tumor predisposition; Neoplastic Syndromes, Hereditary; Hereditary Cancer Syndrome; Hereditary neoplastic syndrome. Identifiers: Orphanet 140162, MedGen C0027672, MeSH D009386, MONDO:0015356.
Tuberous sclerosis 2 (TSC2). Identifiers: Orphanet 805, MedGen C1860707, MONDO:0013199, OMIM 613254.

Submissions (3):

Ambry Genetics
Classification: Uncertain significance for Hereditary cancer-predisposing syndrome. Last evaluated: 2026-02-19. Review status: criteria provided, single submitter. Criteria: Ambry Variant Classification Scheme 2023. Collection method: clinical testing. Allele origin: germline.
Comment: The p.Q1714R variant (also known as c.5141A>G), located in coding exon 39 of the TSC2 gene, results from an A to G substitution at nucleotide position 5141. The glutamine at codon 1714 is replaced by arginine, an amino acid with highly similar properties. This amino acid position is highly conserved in available vertebrate species. In addition, this alteration is predicted to be deleterious by in silico analysis. Based on the available evidence, the clinical significance of this variant remains unclear.

ARUP Laboratories, Molecular Genetics and Genomics, ARUP Laboratories
Classification: Likely pathogenic. Last evaluated: 2023-11-22. Review status: criteria provided, single submitter. Criteria: ARUP Molecular Germline Variant Investigation Process 2024. Collection method: clinical testing. Allele origin: germline.
Comment: The TSC2 p.Gln1714Arg; p.Gln1714Arg variant, to our knowledge, is not reported in the medical literature or gene specific databases. This variant is also absent from the Genome Aggregation Database (v2.1.1), indicating it is not a common polymorphism. However, variants effecting a neighboring codon (p.Arg1713His, p.Arg1713Pro) have been previously identified in individuals with features of tuberous sclerosis complex and are considered pathogenic (Au 2007, D'Gama 2015, Fox 2017, Hirfanoglu and Gupta 2010, Hoogeveen-Westerveld 2011, Niemi 2011). Computational analyses predict that the p.Gln1714Arg variant is deleterious (REVEL: 0.820). Based on available information, this variant is considered to be likely pathogenic. References: Au KS et al. Genotype/phenotype correlation in 325 individuals referred for a diagnosis of tuberous sclerosis complex in the United States. Genet Med. 2007 Feb;9(2):88-100. PMID: 17304050. D'Gama AM et al. Mammalian target of rapamycin pathway mutations cause hemimegalencephaly and focal cortical dysplasia. Ann Neurol. 2015 Apr;77(4):720-5. PMID: 25599672 Fox J et al. Rare familial TSC2 gene mutation associated with atypical phenotype presentation of Tuberous Sclerosis Complex. Am J Med Genet A. 2017 Mar;173(3):744-748. PMID: 28127866. Hirfanoglu T and Gupta A. Tuberous sclerosis complex with a single brain lesion on MRI mimicking focal cortical dysplasia. Pediatr Neurol. 2010 May;42(5):343-7. PMID: 20399389. Hoogeveen-Westerveld M et al. Functional assessment of variants in the TSC1 and TSC2 genes identified in individuals with Tuberous Sclerosis Complex. Hum Mutat. 2011 Apr;32(4):424-35. PMID: 21309039. Niemi AK et al. Horseshoe kidney and a rare TSC2 variant in two unrelated individuals with tuberous sclerosis complex. Am J Med Genet A. 2011 Oct;155A(10):2534-7. PMID: 21910228.

Labcorp Genetics (formerly Invitae), Labcorp
Classification: Uncertain significance for Tuberous sclerosis 2. Last evaluated: 2023-06-16. Review status: criteria provided, single submitter. Criteria: Invitae Variant Classification Sherloc (09022015). Collection method: clinical testing. Allele origin: germline.
Comment: This sequence change replaces glutamine, which is neutral and polar, with arginine, which is basic and polar, at codon 1714 of the TSC2 protein (p.Gln1714Arg). This variant is not present in population databases (gnomAD no frequency). This variant has not been reported in the literature in individuals affected with TSC2-related conditions. In summary, the available evidence is currently insufficient to determine the role of this variant in disease. Therefore, it has been classified as a Variant of Uncertain Significance. Advanced modeling of protein sequence and biophysical properties (such as structural, functional, and spatial information, amino acid conservation, physicochemical variation, residue mobility, and thermodynamic stability) performed at Invitae indicates that this missense variant is not expected to disrupt TSC2 protein function.